The following is an entry in ClinVar:

ClinVar aggregate classification (germline): Uncertain significance. Review status: criteria provided, multiple submitters, no conflicts (2 of 4 stars). 2 submissions from 2 submitters: Uncertain significance (2). Last evaluated 2025-03-03.

Conditions:
Inborn genetic diseases. Identifiers: MedGen C0950123, MeSH D030342.

Allele frequency attached by ClinVar (database versions not stated): gnomAD exomes 0.00001 and 0.00002; TOPMed 0.00001.
gnomAD v4.1: 5 of 1,613,620 alleles (0.00031%); highest among the groups gnomAD compares: Admixed American, 0.0083%; no homozygotes.

Submissions (2):

Labcorp Genetics (formerly Invitae), Labcorp
Classification: Uncertain significance. Last evaluated: 2025-03-03. Review status: criteria provided, single submitter. Criteria: Invitae Variant Classification Sherloc (09022015). Collection method: clinical testing. Allele origin: germline.
Comment: This sequence change replaces isoleucine, which is neutral and non-polar, with methionine, which is neutral and non-polar, at codon 285 of the LRIT3 protein (p.Ile285Met). This variant is present in population databases (no rsID available, gnomAD 0.01%). This variant has not been reported in the literature in individuals affected with LRIT3-related conditions. ClinVar contains an entry for this variant (Variation ID: 999406). An algorithm developed to predict the effect of missense changes on protein structure and function (PolyPhen-2) suggests that this variant is likely to be tolerated. In summary, the available evidence is currently insufficient to determine the role of this variant in disease. Therefore, it has been classified as a Variant of Uncertain Significance.

Ambry Genetics
Classification: Uncertain significance for Inborn genetic diseases. Last evaluated: 2024-08-20. Review status: criteria provided, single submitter. Criteria: Ambry Variant Classification Scheme 2023. Collection method: clinical testing. Allele origin: germline.

NM_198506.5(LRIT3):c.855C>G (p.Ile285Met)

Gene: LRIT3 (leucine rich repeat, Ig-like and transmembrane domains 3; plus strand). Cytogenetic location: 4q25.
Variant type: single nucleotide variant.
Coding change: c.855C>G on transcript NM_198506.5 (MANE Select); coding-DNA position 855, C replaced by G.
Protein change: p.Ile285Met; replaces isoleucine 285 with methionine.
Molecular consequence: missense variant.
Genome position (GRCh38, 1-based): chr4:109,867,906, C>G. VCF-style: chr4-109867906-C-G. GRCh37 (hg19) VCF-style: chr4-110789062-C-G.
Other names: c.720C>G (NM_198506.2); short protein forms I285M.
Identifiers: ClinVar variation 999406 (VCV000999406.6), dbSNP rs1275143197, ClinGen allele CA357868354.